The following is an entry in ClinVar:

NM_145239.3(PRRT2):c.880-1G>A

Genes: MVP-DT (MVP divergent transcript; minus strand), PRRT2 (proline rich transmembrane protein 2; plus strand). Cytogenetic location: 16p11.2.
Variant type: single nucleotide variant.
Coding change: c.880-1G>A on transcript NM_145239.3 (MANE Select); the canonical splice acceptor site of the intron before coding-DNA position 880, G replaced by A.
Molecular consequence: splice acceptor variant. On other transcripts: 3 prime UTR variant (1).
Genome position (GRCh38, 1-based): chr16:29,814,332, G>A. VCF-style: chr16-29814332-G-A. GRCh37 (hg19) VCF-style: chr16-29825653-G-A.
Other names: c.*378G>A (NM_001256443.2); c.880-1G>A (NM_001256442.2).
Identifiers: ClinVar variation 1072869 (VCV001072869.10), dbSNP rs1596893952, ClinGen allele CA395480454.
Genomic context (GRCh38, chr16:29,814,332, plus strand): 5'-CCTTCTGGGCTGGCTTCTCCTGACCCCGGCTATGTGCCTCCACCCCTCGCCCTAACCCCA[G>A]TCCCGGAACAGCCTGCAGCAGGGGGACGTGGACGGGGCCCAGCGTCTGGGCCGGGTAGCC-3'

ClinVar aggregate classification (germline): Pathogenic. Review status: criteria provided, multiple submitters, no conflicts (2 of 4 stars). 2 submissions from 2 submitters: Pathogenic (2). Last evaluated 2025-10-06.

Conditions:
PRRT2-Related Disorder. Also called: PRRT2-related disorders. Identifiers: MedGen CN381059.
Episodic kinesigenic dyskinesia (EKD). Also called: Paroxysmal kinesigenic dyskinesia. Identifiers: Orphanet 98809, MedGen C1868682, MONDO:0044202.

Submissions (2):

3billion
Classification: Pathogenic for PRRT2-related disorder. Last evaluated: 2025-10-06. Review status: criteria provided, single submitter. Criteria: ACMG Guidelines, 2015. Collection method: clinical testing. Allele origin: germline. Affected: yes.
Comment: The variant is not observed in the gnomAD v4.1.0 dataset. Predicted Consequence/Location: Canonical splice site: predicted to alter splicing and result in a loss or disruption of normal protein function. Multiple pathogenic loss-of-function variants are reported downstream of the variant. In silico tools predict the variant to alter splicing and produce an abnormal transcript [SpliceAI: 0.83 (spliceogenicity >=0.2, non-spliceogenicity <0.1)]. The variant has been reported to be associated with PRRT2-related disorder (ClinVar ID: VCV001072869 /PMID: 29132464). Therefore, this variant is classified as Pathogenic according to the recommendation of ACMG/AMP guideline.

Labcorp Genetics (formerly Invitae), Labcorp
Classification: Pathogenic for Episodic kinesigenic dyskinesia. Last evaluated: 2024-10-06. Review status: criteria provided, single submitter. Criteria: Invitae Variant Classification Sherloc (09022015). Collection method: clinical testing. Allele origin: germline.
Comment: This sequence change affects an acceptor splice site in intron 2 of the PRRT2 gene. It is expected to disrupt RNA splicing. Variants that disrupt the donor or acceptor splice site typically lead to a loss of protein function (PMID: 16199547), and loss-of-function variants in PRRT2 are known to be pathogenic (PMID: 22623405, 22744660). This variant is not present in population databases (gnomAD no frequency). Disruption of this splice site has been observed in individuals with PRRT2-related conditions (PMID: 29132464; internal data). ClinVar contains an entry for this variant (Variation ID: 1072869). Algorithms developed to predict the effect of sequence changes on RNA splicing suggest that this variant may disrupt the consensus splice site. For these reasons, this variant has been classified as Pathogenic.

Literature cited by the submitters: PubMed 29132464 (cited by 3billion and Labcorp Genetics (formerly Invitae), Labcorp); PubMed 16199547 (cited by Labcorp Genetics (formerly Invitae), Labcorp); PubMed 22623405 (cited by Labcorp Genetics (formerly Invitae), Labcorp); PubMed 22744660 (cited by Labcorp Genetics (formerly Invitae), Labcorp).